The following is an entry in ClinVar:

ClinVar aggregate classification (germline): Uncertain significance (1 of 4 stars; one submission).

Conditions:
Hermansky-Pudlak syndrome 2 (HPS2). Also called: Platelet defects and oculocutaneous albinism. Identifiers: Orphanet 183678, Orphanet 79430, MedGen C1842362, MONDO:0011997, OMIM 608233.

Allele frequency attached by ClinVar (database versions not stated): gnomAD exomes 0.00001; ExAC 0.00002; TOPMed 0.00006; gnomAD 0.00008 and 0.00009.
gnomAD v4.1: 23 of 1,613,084 alleles (0.0014%); highest among the groups gnomAD compares: African/African-American, 0.028%; no homozygotes.

Submission:

Labcorp Genetics (formerly Invitae), Labcorp
Classification: Uncertain significance for Hermansky-Pudlak syndrome 2. Last evaluated: 2021-03-07. Review status: criteria provided, single submitter. Criteria: Invitae Variant Classification Sherloc (09022015). Collection method: clinical testing. Allele origin: germline.
Comment: This sequence change falls in intron 6 of the AP3B1 gene. It does not directly change the encoded amino acid sequence of the AP3B1 protein. It affects a nucleotide within the consensus splice site of the intron. This variant is present in population databases (rs754016521, ExAC 0.02%). This variant has not been reported in the literature in individuals with AP3B1-related conditions. Nucleotide substitutions within the consensus splice site are a relatively common cause of aberrant splicing (PMID: 17576681, 9536098). Algorithms developed to predict the effect of sequence changes on RNA splicing suggest that this variant is not likely to affect RNA splicing, but this prediction has not been confirmed by published transcriptional studies. In summary, the available evidence is currently insufficient to determine the role of this variant in disease. Therefore, it has been classified as a Variant of Uncertain Significance.

Literature cited by the submitters: PubMed 17576681; PubMed 9536098.

NM_003664.5(AP3B1):c.604-3T>C

Gene: AP3B1 (adaptor related protein complex 3 subunit beta 1; minus strand). Cytogenetic location: 5q14.1.
Variant type: single nucleotide variant.
Coding change: c.604-3T>C on transcript NM_003664.5 (MANE Select); 3 bases into the intron before coding-DNA position 604, T replaced by C.
Molecular consequence: intron variant.
Genome position (GRCh38, 1-based): chr5:78,216,240, A>G on the plus strand (T>C on the coding strand, the complement: AP3B1 is on the minus strand). VCF-style: chr5-78216240-A-G. GRCh37 (hg19) VCF-style: chr5-77512064-A-G.
Other names: c.457-3T>C (NM_001271769.2).
Identifiers: ClinVar variation 1379577 (VCV001379577.3), dbSNP rs754016521, ClinGen allele CA3317317.